The following is an entry in ClinVar:

ClinVar aggregate classification (germline): Uncertain significance (1 of 4 stars; one submission).

Conditions:
Muscular dystrophy-dystroglycanopathy (congenital with impaired intellectual development), type B, 2. Also called: MUSCULAR DYSTROPHY, CONGENITAL, POMT2-RELATED; Muscular dystrophy-dystroglycanopathy (congenital with intellectual disability), type B2. Identifiers: MedGen C3150416, MONDO:0013160, OMIM 613156.
Muscular dystrophy-dystroglycanopathy (congenital with brain and eye anomalies), type A2. Also called: MUSCULAR DYSTROPHY-DYSTROGLYCANOPATHY (CONGENITAL WITH BRAIN AND EYE ANOMALIES), TYPE A, 2; WALKER-WARBURG SYNDROME OR MUSCLE-EYE-BRAIN DISEASE, POMT2-RELATED. Identifiers: Orphanet 588, Orphanet 899, MedGen C3150411, MONDO:0013154, OMIM 613150.
Autosomal recessive limb-girdle muscular dystrophy type 2N. Also called: MUSCULAR DYSTROPHY-DYSTROGLYCANOPATHY, LIMB-GIRDLE, POMT2-RELATED; Muscular dystrophy-dystroglycanopathy (limb-girdle), type C, 2. Identifiers: Orphanet 206559, MedGen C3150418, MONDO:0013162, OMIM 613158.

Submission:

Labcorp Genetics (formerly Invitae), Labcorp
Classification: Uncertain significance for Muscular dystrophy-dystroglycanopathy (congenital with impaired intellectual development), type B, 2; Muscular dystrophy-dystroglycanopathy (congenital with brain and eye anomalies), type A2; Autosomal recessive limb-girdle muscular dystrophy type 2N. Last evaluated: 2023-05-20. Review status: criteria provided, single submitter. Criteria: Invitae Variant Classification Sherloc (09022015). Collection method: clinical testing. Allele origin: germline.
Comment: In summary, the available evidence is currently insufficient to determine the role of this variant in disease. Therefore, it has been classified as a Variant of Uncertain Significance. Advanced modeling of protein sequence and biophysical properties (such as structural, functional, and spatial information, amino acid conservation, physicochemical variation, residue mobility, and thermodynamic stability) performed at Invitae indicates that this missense variant is not expected to disrupt POMT2 protein function. This variant has not been reported in the literature in individuals affected with POMT2-related conditions. This variant is not present in population databases (gnomAD no frequency). This sequence change replaces phenylalanine, which is neutral and non-polar, with leucine, which is neutral and non-polar, at codon 667 of the POMT2 protein (p.Phe667Leu).

NM_013382.7(POMT2):c.2001C>G (p.Phe667Leu)

Gene: POMT2 (protein O-mannosyltransferase 2; minus strand). Cytogenetic location: 14q24.3.
Variant type: single nucleotide variant.
Coding change: c.2001C>G on transcript NM_013382.7 (MANE Select); coding-DNA position 2001, C replaced by G.
Protein change: p.Phe667Leu; replaces phenylalanine 667 with leucine.
Molecular consequence: missense variant.
Genome position (GRCh38, 1-based): chr14:77,278,760, G>C on the plus strand (C>G on the coding strand, the complement: POMT2 is on the minus strand). VCF-style: chr14-77278760-G-C. GRCh37 (hg19) VCF-style: chr14-77745103-G-C.
Other names: short protein forms F667L.
Identifiers: ClinVar variation 2948025 (VCV002948025.3), dbSNP rs1259330969, ClinGen allele CA390513822.